The following is an entry in ClinVar:

NM_152641.4(ARID2):c.1665del (p.Lys555fs)

Gene: ARID2 (AT-rich interaction domain 2; plus strand). Cytogenetic location: 12q12.
Variant type: Deletion.
Coding change: c.1665del on transcript NM_152641.4 (MANE Select); coding-DNA position 1665, one base deleted (A; older notation c.1665delA).
Protein change: p.Lys555fs; shifts the reading frame from lysine 555.
Molecular consequence: frameshift variant.
Genome position (GRCh38, 1-based): chr12:45,848,920, A deleted; the last of 3 consecutive A bases (chr12:45,848,918-45,848,920); deleting any one gives the same sequence. VCF-style (leftmost placement, unchanged base first): chr12-45848917-TA-T. GRCh37 (hg19) VCF-style: chr12-46242700-TA-T.
Other names: c.1665del, p.Lys555fs (NM_001347839.2); short protein forms K555fs.
Identifiers: ClinVar variation 4143913 (VCV004143913.1).

ClinVar aggregate classification (germline): Pathogenic (1 of 4 stars; one submission).

Conditions:
Inborn genetic diseases. Identifiers: MedGen C0950123, MeSH D030342.

Submission:

Ambry Genetics
Classification: Pathogenic for Inborn genetic diseases. Last evaluated: 2025-08-25. Review status: criteria provided, single submitter. Criteria: Ambry Variant Classification Scheme 2023. Collection method: clinical testing. Allele origin: germline.
Comment: The c.1665delA (p.K555Nfs*2) alteration, located in exon 13 (coding exon 13) of the ARID2 gene, consists of a deletion of one nucleotide at position 1665, causing a translational frameshift with a predicted alternate stop codon after 2 amino acids. This alteration is expected to result in loss of function by premature protein truncation or nonsense-mediated mRNA decay. This variant was not reported in population-based cohorts in the Genome Aggregation Database (gnomAD). Based on the available evidence, this alteration is classified as pathogenic.